The following is an entry in ClinVar:

ClinVar aggregate classification (germline): Uncertain significance (1 of 4 stars; one submission).

Conditions:
Hereditary cancer-predisposing syndrome. Also called: Neoplastic Syndromes, Hereditary; Tumor predisposition; Hereditary Cancer Syndrome; Hereditary neoplastic syndrome. Identifiers: Orphanet 140162, MedGen C0027672, MeSH D009386, MONDO:0015356.

Submission:

Ambry Genetics
Classification: Uncertain significance for Hereditary cancer-predisposing syndrome. Last evaluated: 2025-11-19. Review status: criteria provided, single submitter. Criteria: Ambry Variant Classification Scheme 2023. Collection method: clinical testing. Allele origin: germline.
Comment: The p.S309L variant (also known as c.926C>T), located in coding exon 9 of the BRCA2 gene, results from a C to T substitution at nucleotide position 926. The serine at codon 309 is replaced by leucine, an amino acid with dissimilar properties. This amino acid position is well conserved in available vertebrate species. In addition, this alteration is predicted to be tolerated by in silico analysis. Based on the available evidence, the clinical significance of this variant remains unclear.

NM_000059.4(BRCA2):c.926C>T (p.Ser309Leu)

Gene: BRCA2 (BRCA2 DNA repair associated; plus strand). Cytogenetic location: 13q13.1.
Variant type: single nucleotide variant.
Coding change: c.926C>T on transcript NM_000059.4 (MANE Select); coding-DNA position 926, C replaced by T.
Protein change: p.Ser309Leu; replaces serine 309 with leucine.
Molecular consequence: missense variant. On other transcripts: non-coding transcript variant (1), intron variant (1).
Genome position (GRCh38, 1-based): chr13:32,332,404, C>T. VCF-style: chr13-32332404-C-T. GRCh37 (hg19) VCF-style: chr13-32906541-C-T.
Other names: c.926C>T, p.Ser309Leu (NM_001406719.1, NM_001406720.1, NM_001406721.1 and 1 more transcripts); c.424+1374C>T (NM_001406722.1); short protein forms S309L.
Identifiers: ClinVar variation 4629152 (VCV004629152.1).